The following is an entry in ClinVar:

NM_000722.4(CACNA2D1):c.1482G>A (p.Leu494=)

Gene: CACNA2D1 (calcium voltage-gated channel auxiliary subunit alpha2delta 1; minus strand). Cytogenetic location: 7q21.11.
Variant type: single nucleotide variant.
Coding change: c.1482G>A on transcript NM_000722.4 (MANE Select); coding-DNA position 1482, G replaced by A.
Protein change: p.Leu494=; no amino-acid change (leucine 494 retained).
Molecular consequence: synonymous variant.
Genome position (GRCh38, 1-based): chr7:82,005,798, C>T on the plus strand (G>A on the coding strand, the complement: CACNA2D1 is on the minus strand). VCF-style: chr7-82005798-C-T. GRCh37 (hg19) VCF-style: chr7-81635114-C-T.
Other names: p.Leu494=; c.1482G>A, p.Leu494= (NM_001366867.1).
Identifiers: ClinVar variation 1092317 (VCV001092317.12), dbSNP rs141344702, ClinGen allele CA4318033.

ClinVar aggregate classification (germline): Likely benign. Review status: criteria provided, multiple submitters, no conflicts (2 of 4 stars). 3 submissions from 3 submitters: Likely benign (3). Last evaluated 2026-01-28.

Conditions:
Brugada syndrome. Also called: Sudden unexpected nocturnal death syndrome; Sudden Unexplained Death Syndrome; Sudden Unexplained Nocturnal Death Syndrome (SUNDS); Sudden unexplained nocturnal death syndrome. Identifiers: Orphanet 130, MedGen C1142166, MONDO:0015263.
Cardiovascular phenotype. Identifiers: MedGen CN230736.

Allele frequency attached by ClinVar (database versions not stated): gnomAD exomes 0.00002 and 0.00004; ExAC 0.00004; 1000 Genomes Project 30x 0.00016; 1000 Genomes Project 0.00020; gnomAD 0.00029 and 0.00031; TOPMed 0.00029; ESP Exome Variant Server 0.00031.
gnomAD v4.1: 74 of 1,608,974 alleles (0.0046%); highest among the groups gnomAD compares: African/African-American, 0.088%; no homozygotes.

Submissions (3):

Labcorp Genetics (formerly Invitae), Labcorp
Classification: Likely benign for Brugada syndrome. Last evaluated: 2026-01-28. Review status: criteria provided, single submitter. Criteria: Invitae Variant Classification Sherloc (09022015). Collection method: clinical testing. Allele origin: germline.

Mayo Clinic Laboratories, Mayo Clinic
Classification: Likely benign. Last evaluated: 2025-10-15. Review status: criteria provided, single submitter. Criteria: ACMG Guidelines, 2015. Collection method: clinical testing. Allele origin: germline. Observed: 1 variant allele.
Comment: BP4, BP7

Ambry Genetics
Classification: Likely benign for Cardiovascular phenotype. Last evaluated: 2019-12-17. Review status: criteria provided, single submitter. Criteria: Ambry Variant Classification Scheme 2023. Collection method: clinical testing. Allele origin: germline.